The following is an entry in ClinVar:

ClinVar aggregate classification (germline): Conflicting classifications of pathogenicity. Review status: criteria provided, conflicting classifications (1 of 4 stars). 3 submissions from 3 submitters: Uncertain significance (2); Likely benign (1). Last evaluated 2026-08-31.

Conditions:
Hereditary cancer-predisposing syndrome. Also called: Tumor predisposition; Hereditary neoplastic syndrome; Neoplastic Syndromes, Hereditary; Hereditary Cancer Syndrome. Identifiers: Orphanet 140162, MedGen C0027672, MeSH D009386, MONDO:0015356.
Familial cancer of breast. Also called: BREAST CANCER, FAMILIAL; hereditary breast carcinoma; Hereditary breast cancer. Identifiers: Orphanet 227535, MedGen C0346153, MONDO:0016419, OMIM 114480. Disease mechanism: loss of function.
Ataxia-telangiectasia syndrome (AT). Also called: ATAXIA-TELANGIECTASIA, COMPLEMENTATION GROUP A; ATAXIA-TELANGIECTASIA, FRESNO VARIANT; Ataxia-telangiectasia; LOUIS-BAR SYNDROME; Cerebello-oculocutaneous telangiectasia; Immunodeficiency with ataxia telangiectasia. Identifiers: Orphanet 100, MedGen C0004135, MONDO:0008840, OMIM 208900.

Submissions (3):

Ambry Genetics
Classification: Likely benign for Hereditary cancer-predisposing syndrome. Last evaluated: 2026-08-31. Review status: criteria provided, single submitter. Criteria: Ambry Variant Classification Scheme 2023. Collection method: clinical testing. Allele origin: germline.

Labcorp Genetics (formerly Invitae), Labcorp
Classification: Uncertain significance for Ataxia-telangiectasia syndrome. Last evaluated: 2025-06-29. Review status: criteria provided, single submitter. Criteria: Invitae Variant Classification Sherloc (09022015). Collection method: clinical testing. Allele origin: germline.
Comment: This sequence change replaces histidine, which is basic and polar, with leucine, which is neutral and non-polar, at codon 42 of the ATM protein (p.His42Leu). This variant is not present in population databases (gnomAD no frequency). This variant has not been reported in the literature in individuals affected with ATM-related conditions. ClinVar contains an entry for this variant (Variation ID: 1709731). Invitae Evidence Modeling of protein sequence and biophysical properties (such as structural, functional, and spatial information, amino acid conservation, physicochemical variation, residue mobility, and thermodynamic stability) indicates that this missense variant is not expected to disrupt ATM protein function with a negative predictive value of 95%. In summary, the available evidence is currently insufficient to determine the role of this variant in disease. Therefore, it has been classified as a Variant of Uncertain Significance.

MGZ Medical Genetics Center
Classification: Uncertain significance for Familial cancer of breast. Last evaluated: 2022-08-01. Review status: criteria provided, single submitter. Criteria: ACMG Guidelines, 2015. Collection method: clinical testing. Allele origin: germline. Affected: yes. Observed: 1 variant allele.
Comment: ACMG criteria applied: PM2_SUP, BP4

NM_000051.4(ATM):c.125A>T (p.His42Leu)

Gene: ATM (ATM serine/threonine kinase; plus strand). Cytogenetic location: 11q22.3.
Variant type: single nucleotide variant.
Coding change: c.125A>T on transcript NM_000051.4 (MANE Select); coding-DNA position 125, A replaced by T.
Protein change: p.His42Leu; replaces histidine 42 with leucine.
Molecular consequence: missense variant.
Genome position (GRCh38, 1-based): chr11:108,227,828, A>T. VCF-style: chr11-108227828-A-T. GRCh37 (hg19) VCF-style: chr11-108098555-A-T.
Other names: c.125A>T, p.His42Leu (NM_001351834.2, NM_001351835.2, NM_001351836.2); short protein forms H42L.
Identifiers: ClinVar variation 1709731 (VCV001709731.3), dbSNP rs201773026, ClinGen allele CA382519943.